The following is an entry in ClinVar:

ClinVar aggregate classification (germline): Uncertain significance (1 of 4 stars; one submission).

gnomAD v4.1: 1 of 1,613,902 alleles (0.000062%); highest among the groups gnomAD compares: Non-Finnish European, 0.000085%; no homozygotes.

Submission:

Ambry Genetics
Classification: Uncertain significance. Last evaluated: 2025-02-15. Review status: criteria provided, single submitter. Criteria: Ambry Variant Classification Scheme 2023. Collection method: clinical testing. Allele origin: germline.
Comment: The p.A701G variant (also known as c.2102C>G), located in coding exon 14 of the RINT1 gene, results from a C to G substitution at nucleotide position 2102. The alanine at codon 701 is replaced by glycine, an amino acid with similar properties. This amino acid position is conserved. In addition, the in silico prediction for this alteration is inconclusive. Based on the available evidence, the clinical significance of this variant remains unclear.

NM_021930.6(RINT1):c.2102C>G (p.Ala701Gly)

Genes: EFCAB10 (EF-hand calcium binding domain 10; minus strand), RINT1 (RAD50 interactor 1; plus strand). Cytogenetic location: 7q22.3.
Variant type: single nucleotide variant.
Coding change: c.2102C>G on transcript NM_021930.6 (MANE Select); coding-DNA position 2102, C replaced by G.
Protein change: p.Ala701Gly; replaces alanine 701 with glycine.
Molecular consequence: missense variant. On other transcripts: synonymous variant (1), non-coding transcript variant (1), intron variant (2).
Genome position (GRCh38, 1-based): chr7:105,565,564, C>G. VCF-style: chr7-105565564-C-G. GRCh37 (hg19) VCF-style: chr7-105206011-C-G.
Other names: c.435G>C, p.Leu145= (NM_001355530.2); c.1868C>G, p.Ala623Gly (NM_001346599.2); c.1079C>G, p.Ala360Gly (NM_001346600.2, NM_001346603.2); c.1178C>G, p.Ala393Gly (NM_001346601.2); c.360-117G>C (NM_001355531.2); c.384-117G>C (NM_001355526.2); short protein forms A393G, A701G, A623G, A360G.
Identifiers: ClinVar variation 3789202 (VCV003789202.1).